The following is an entry in ClinVar:

ClinVar aggregate classification (germline): Pathogenic (1 of 4 stars; one submission).

Submission:

Athena Diagnostics
Classification: Pathogenic. Last evaluated: 2025-06-17. Review status: criteria provided, single submitter. Criteria: Athena Diagnostics Criteria. Collection method: clinical testing. Allele origin: unknown.
Comment: This variant is expected to result in the loss of a functional protein. This variant has not been reported in large, multi-ethnic general populations. This variant has been identified in at least one individual with clinical features associated with this gene.

NM_000388.4(CASR):c.1700_1701del (p.Glu567fs)

Gene: CASR (calcium sensing receptor; plus strand). Cytogenetic location: 3q21.1.
Variant type: Deletion.
Coding change: c.1700_1701del on transcript NM_000388.4 (MANE Select); coding-DNA positions 1700 to 1701, 2 bases deleted (AG; older notation c.1700_1701delAG).
Protein change: p.Glu567fs; shifts the reading frame from glutamic acid 567.
Molecular consequence: frameshift variant.
Genome position (GRCh38, 1-based): chr3:122,282,204-122,282,205, AG deleted; deleting any 2 consecutive bases within chr3:122,282,203-122,282,205 gives the same sequence; the c. name uses the placement nearest the transcript's 3' end. VCF-style (leftmost placement, unchanged base first): chr3-122282202-GGA-G. GRCh37 (hg19) VCF-style: chr3-122001049-GGA-G.
Other names: c.1730_1731del, p.Glu577fs (NM_001178065.2); short protein forms E567fs, E577fs.
Identifiers: ClinVar variation 4682481 (VCV004682481.1).